The following is an entry in ClinVar:

NM_004629.2(FANCG):c.377T>A (p.Leu126His)

Gene: FANCG (FA complementation group G; minus strand). Cytogenetic location: 9p13.3.
Variant type: single nucleotide variant.
Coding change: c.377T>A on transcript NM_004629.2 (MANE Select); coding-DNA position 377, T replaced by A.
Protein change: p.Leu126His; replaces leucine 126 with histidine.
Molecular consequence: missense variant.
Genome position (GRCh38, 1-based): chr9:35,078,274, A>T on the plus strand (T>A on the coding strand, the complement: FANCG is on the minus strand). VCF-style: chr9-35078274-A-T. GRCh37 (hg19) VCF-style: chr9-35078271-A-T.
Other names: short protein forms L126H.
Identifiers: ClinVar variation 3848429 (VCV003848429.1).

ClinVar aggregate classification (germline): Uncertain significance (1 of 4 stars; one submission).

Conditions:
Inborn genetic diseases. Identifiers: MedGen C0950123, MeSH D030342.

Submission:

Ambry Genetics
Classification: Uncertain significance for Inborn genetic diseases. Last evaluated: 2025-02-03. Review status: criteria provided, single submitter. Criteria: Ambry Variant Classification Scheme 2023. Collection method: clinical testing. Allele origin: germline.
Comment: The p.L126H variant (also known as c.377T>A), located in coding exon 4 of the FANCG gene, results from a T to A substitution at nucleotide position 377. The leucine at codon 126 is replaced by histidine, an amino acid with similar properties. This amino acid position is conserved. In addition, the in silico prediction for this alteration is inconclusive. Based on the available evidence, the clinical significance of this variant remains unclear.